The following is an entry in ClinVar:

NM_152274.5(CCNQ):c.722A>G (p.Tyr241Cys)

Gene: CCNQ (cyclin Q; minus strand). Cytogenetic location: Xq28.
Variant type: single nucleotide variant.
Coding change: c.722A>G on transcript NM_152274.5 (MANE Select); coding-DNA position 722, A replaced by G.
Protein change: p.Tyr241Cys; replaces tyrosine 241 with cysteine.
Molecular consequence: missense variant.
Genome position (GRCh38, 1-based): chrX:153,588,390, T>C on the plus strand (A>G on the coding strand, the complement: CCNQ is on the minus strand). VCF-style: chrX-153588390-T-C. GRCh37 (hg19) VCF-style: chrX-152853848-T-C.
Other names: c.662A>G, p.Tyr221Cys (NM_001130997.3); short protein forms Y221C, Y241C.
Identifiers: ClinVar variation 3053647 (VCV003053647.1), dbSNP rs2521888030, ClinGen allele CA415085401.
Genomic context (GRCh38, chrX:153,588,390, plus strand): 5'-CTGGGCTTCTCTTTGGGCAGGCCTGGGCCAGGACCTTAGGGGATCTCTGTGTCCATGGTA[T>C]AAATCTGAATGAGATCAGACACAATATTATCAATGATTGGCTTGGTAAGGTCGTCATTAA-3'
Protein context (NP_689487.2, residues 231-248): DNIVSDLIQI[Tyr241Cys]TMDTEIP

ClinVar aggregate classification (germline): Likely benign (1 of 4 stars; one submission).

Conditions:
CCNQ-related disorder. Also called: CCNQ-related condition.

Submission:

PreventionGenetics, part of Exact Sciences
Classification: Likely benign for CCNQ-related condition. Last evaluated: 2024-01-02. Review status: criteria provided, single submitter. Criteria: ACMG Guidelines, 2015. Collection method: clinical testing. Allele origin: germline.
Comment: This variant is classified as likely benign based on ACMG/AMP sequence variant interpretation guidelines (Richards et al. 2015 PMID: 25741868, with internal and published modifications).